The following is an entry in ClinVar:

NM_001370259.2(MEN1):c.1351-12_1352del

Gene: MEN1 (menin 1; minus strand). Cytogenetic location: 11q13.1.
Variant type: Deletion.
Coding change: c.1351-12_1352del on transcript NM_001370259.2 (MANE Select); 12 bases into the intron before coding-DNA position 1351 through coding-DNA position 1352, 14 bases deleted (CCACTGGCCCAGGT).
Molecular consequence: splice acceptor variant.
Genome position (GRCh38, 1-based): chr11:64,804,815-64,804,828, ACCTGGGCCAGTGG deleted on the plus strand (CCACTGGCCCAGGT on the coding strand, the reverse complement: MEN1 is on the minus strand). VCF-style (leftmost placement, unchanged base first): chr11-64804814-CACCTGGGCCAGTGG-C. GRCh37 (hg19) VCF-style: chr11-64572286-CACCTGGGCCAGTGG-C.
Other names: c.1351-12_1352del14 (NM_001370259.2); c.1477-12_1478del (NM_001407144.1, NM_001370251.2, NM_001407142.1 and 1 more transcripts); c.1366-12_1367del (NM_000244.4, NM_130801.3, NM_130800.3 and 4 more transcripts); c.1246-12_1247del (NM_001407149.1, NM_001370263.2, NM_001370262.2 and 1 more transcripts); c.1372-12_1373del (NM_001407151.1); c.1351-12_1352del (NM_001370260.2, NM_001407146.1, NM_001407147.1 and 2 more transcripts); c.1186-12_1187del (NM_001407152.1); c.1492-12_1493del (NM_001407150.1).
Identifiers: ClinVar variation 4850492 (VCV004850492.1).
Genomic context (GRCh38, chr11:64,804,814, plus strand): 5'-CCACGGCTCCTCGGCCTCGGCCGCCTCGGCCTCTCGGCTCACTATGCGCACCTTCTGCCG[CACCTGGGCCAGTGG>C]GGAGAGCAAGGTGAGAGCAAGGTTGCCGGCCAGTGGCTGGAACTCCAGGACCCTGCTCTG-3'

ClinVar aggregate classification (germline): Likely pathogenic (0 of 4 stars; one submission).

Conditions:
Multiple endocrine neoplasia, type 1 (MEN1). Also called: MEA I; MEN I; WERMER SYNDROME; Endocrine adenomatosis multiple; MEN 1. Identifiers: Orphanet 652, MedGen C0025267, MeSH D018761, MONDO:0007540, OMIM 131100.

Submission:

Cancer Genetics and Diagnostic Laboratory, The Kolling Institute
Classification: Likely pathogenic for Multiple endocrine neoplasia, type 1. Last evaluated: 2026-04-07. Review status: no assertion criteria provided. Collection method: research. Allele origin: germline. Affected: yes.
Comment: The variant is rare based on population cohorts in the Genome Aggregation Database (gnomAD) (PM2_Supporting). Loss of function is a known mechanism of disease, predicted to remove less than 10% of protein (PVS1_Moderate). The patient’s phenotype is highly specific for MEN1 disease (PP4). In summary, the variant meets criteria to be classified as a likely pathogenic for MEN1 baed on the ACMG/AMP criteria applied: PM2_Supporting, PVS1_Moderate, PP4.